The following is an entry in ClinVar:

NM_004991.4(MECOM):c.2219C>T (p.Ser740Phe)

Gene: MECOM (MDS1 and EVI1 complex locus; minus strand). Cytogenetic location: 3q26.2.
Variant type: single nucleotide variant.
Coding change: c.2219C>T on transcript NM_004991.4 (MANE Select); coding-DNA position 2219, C replaced by T.
Protein change: p.Ser740Phe; replaces serine 740 with phenylalanine.
Molecular consequence: missense variant.
Genome position (GRCh38, 1-based): chr3:169,115,653, G>A on the plus strand (C>T on the coding strand, the complement: MECOM is on the minus strand). VCF-style: chr3-169115653-G-A. GRCh37 (hg19) VCF-style: chr3-168833441-G-A.
Other names: p.Ser740Phe; c.1850C>T, p.Ser617Phe (NM_001105077.4); c.1655C>T, p.Ser552Phe (NM_001105078.4, NM_001164000.2, NM_001205194.2 and 4 more transcripts); c.1658C>T, p.Ser553Phe (NM_001163999.2, NM_001366467.2, NM_001366468.2 and 1 more transcripts); c.2219C>T, p.Ser740Phe (NM_001366466.2); c.1247C>T, p.Ser416Phe (NM_001366473.2); c.683C>T, p.Ser228Phe (NM_001366474.2); short protein forms S228F, S416F, S552F, S553F, S617F, S740F.
Identifiers: ClinVar variation 1049929 (VCV001049929.8), dbSNP rs201320721, ClinGen allele CA2696224.

ClinVar aggregate classification (germline): Conflicting classifications of pathogenicity. Review status: criteria provided, conflicting classifications (1 of 4 stars). 4 submissions from 4 submitters: Uncertain significance (1); Likely benign (2). 1 of the submissions does not count toward it. Last evaluated 2025-11-24.

Allele frequency attached by ClinVar (database versions not stated): gnomAD exomes 0.00011; gnomAD 0.00013 and 0.00014; TOPMed 0.00014; ExAC 0.00015; ESP Exome Variant Server 0.00031.
gnomAD v4.1: 515 of 1,614,034 alleles (0.032%); highest among the groups gnomAD compares: Non-Finnish European, 0.04%; no homozygotes.

Submissions (4):

Labcorp Genetics (formerly Invitae), Labcorp
Classification: Uncertain significance. Last evaluated: 2025-11-24. Review status: criteria provided, single submitter. Criteria: Invitae Variant Classification Sherloc (09022015). Collection method: clinical testing. Allele origin: germline.
Comment: This sequence change replaces serine, which is neutral and polar, with phenylalanine, which is neutral and non-polar, at codon 552 of the MECOM protein (p.Ser552Phe). This variant is present in population databases (rs201320721, gnomAD 0.02%). This variant has not been reported in the literature in individuals affected with MECOM-related conditions. ClinVar contains an entry for this variant (Variation ID: 1049929). An algorithm developed to predict the effect of missense changes on protein structure and function (PolyPhen-2) suggests that this variant is likely to be disruptive. In summary, the available evidence is currently insufficient to determine the role of this variant in disease. Therefore, it has been classified as a Variant of Uncertain Significance.

Mayo Clinic Laboratories, Mayo Clinic
Classification: Likely benign. Last evaluated: 2024-10-11. Review status: criteria provided, single submitter. Criteria: ACMG Guidelines, 2015. Collection method: clinical testing. Allele origin: germline. Observed: 4 variant alleles.
Comment: BS1, PM1_supporting

Blueprint Genetics
Classification: Likely benign. Last evaluated: 2024-10-01. Review status: criteria provided, single submitter. Criteria: ACMG Guidelines, 2015. Collection method: clinical testing. Allele origin: germline.

Department of Pathology and Laboratory Medicine, Sinai Health System
Classification: Likely benign. Review status: no assertion criteria provided. Collection method: clinical testing. Allele origin: unknown. Affected: yes. Study: The Canadian Open Genetics Repository (COGR). Not counted in ClinVar's aggregate classification.
Comment: The MECOM p.Ser552Phe variant was not identified in the literature nor was it identified in ClinVar. The variant was identified in dbSNP (ID: rs201320721) and in control databases in 30 of 282562 chromosomes at a frequency of 0.0001062 (Genome Aggregation Database March 6, 2019, v2.1.1). The variant was observed in the following populations: European (non-Finnish) in 28 of 128912 chromosomes (freq: 0.000217), African in 1 of 24962 chromosomes (freq: 0.00004) and Latino in 1 of 35432 chromosomes (freq: 0.000028), but was not observed in the Ashkenazi Jewish, East Asian, European (Finnish), Other, or South Asian populations. This frequency is greater than expected for rare autosomal dominant radioulnar synostosis with amegakaryocytic thrombocytopenia 2. The p.Ser552 residue is conserved across mammals and other organisms, and four out of five computational analyses (PolyPhen-2, SIFT, AlignGVGD, BLOSUM, MutationTaster) suggest that the variant may impact the protein; however, this information is not predictive enough to assume pathogenicity. The variant occurs outside of the splicing consensus sequence and in silico or computational prediction software programs (SpliceSiteFinder, MaxEntScan, NNSPLICE, GeneSplicer) do not predict a difference in splicing. In summary, based on the above information the clinical significance of this variant cannot be determined with certainty at this time although we would lean towards a more benign role for this variant. This variant is classified as likely benign.